The following is an entry in ClinVar:

NM_001556.3(IKBKB):c.368T>C (p.Leu123Pro)

Genes: IKBKB (inhibitor of nuclear factor kappa B kinase subunit beta; plus strand), LOC126860373 (CDK7 strongly-dependent group 2 enhancer GRCh37_chr8:42150166-42151365; plus strand). Cytogenetic location: 8p11.21.
Variant type: single nucleotide variant.
Coding change: c.368T>C on transcript NM_001556.3 (MANE Select); coding-DNA position 368, T replaced by C.
Protein change: p.Leu123Pro; replaces leucine 123 with proline.
Molecular consequence: missense variant. On other transcripts: non-coding transcript variant (3).
Genome position (GRCh38, 1-based): chr8:42,293,492, T>C. VCF-style: chr8-42293492-T-C. GRCh37 (hg19) VCF-style: chr8-42151010-T-C.
Other names: c.176T>C, p.Leu59Pro (NM_001190720.3); c.191T>C, p.Leu64Pro (NM_001242778.2); short protein forms L123P, L59P, L64P.
Identifiers: ClinVar variation 1801352 (VCV001801352.5), dbSNP rs200759910, ClinGen allele CA4731644.

ClinVar aggregate classification (germline): Uncertain significance. Review status: criteria provided, multiple submitters, no conflicts (2 of 4 stars). 2 submissions from 2 submitters: Uncertain significance (2). Last evaluated 2025-05-09.

Conditions:
Immunodeficiency 15a. Identifiers: Orphanet 700205, MedGen C4748694, MONDO:0032599, OMIM 618204.
Severe combined immunodeficiency due to IKK2 deficiency. Also called: IMMUNODEFICIENCY 15B; Immunodeficiency 15. Identifiers: Orphanet 397787, MedGen C4747743, MONDO:0014267, OMIM 615592.

Allele frequency attached by ClinVar (database versions not stated): ESP Exome Variant Server 0.00008; gnomAD 0.00003; gnomAD exomes 0.00003; TOPMed 0.00004; ExAC 0.00007.
gnomAD v4.1: 42 of 1,613,922 alleles (0.0026%); highest among the groups gnomAD compares: Non-Finnish European, 0.0036%; no homozygotes.

Submissions (2):

Labcorp Genetics (formerly Invitae), Labcorp
Classification: Uncertain significance for Severe combined immunodeficiency due to IKK2 deficiency. Last evaluated: 2025-05-09. Review status: criteria provided, single submitter. Criteria: Invitae Variant Classification Sherloc (09022015). Collection method: clinical testing. Allele origin: germline.
Comment: This sequence change replaces leucine, which is neutral and non-polar, with proline, which is neutral and non-polar, at codon 123 of the IKBKB protein (p.Leu123Pro). This variant is present in population databases (rs200759910, gnomAD 0.01%). This variant has not been reported in the literature in individuals affected with IKBKB-related conditions. ClinVar contains an entry for this variant (Variation ID: 1801352). Invitae Evidence Modeling of protein sequence and biophysical properties (such as structural, functional, and spatial information, amino acid conservation, physicochemical variation, residue mobility, and thermodynamic stability) indicates that this missense variant is not expected to disrupt IKBKB protein function with a negative predictive value of 95%. In summary, the available evidence is currently insufficient to determine the role of this variant in disease. Therefore, it has been classified as a Variant of Uncertain Significance.

Institute of Human Genetics, Clinical Exome/Genome Diagnostics Group, University Hospital Bonn
Classification: Uncertain significance for Immunodeficiency 15a. Last evaluated: 2020-10-14. Review status: criteria provided, single submitter. Criteria: ACMG Guidelines, 2015. Collection method: clinical testing. Allele origin: germline. Affected: yes.